The following is an entry in ClinVar:

ClinVar aggregate classification (germline): Uncertain significance. Review status: criteria provided, multiple submitters, no conflicts (2 of 4 stars). 3 submissions from 3 submitters: Uncertain significance (3). Last evaluated 2025-04-06.

Allele frequency attached by ClinVar (database versions not stated): ExAC 0.00001; TOPMed 0.00001.
gnomAD v4.1: 14 of 1,614,132 alleles (0.00087%); highest among the groups gnomAD compares: East Asian, 0.0022%; no homozygotes.

Submissions (3):

Ambry Genetics
Classification: Uncertain significance. Last evaluated: 2025-04-06. Review status: criteria provided, single submitter. Criteria: Ambry Variant Classification Scheme 2023. Collection method: clinical testing. Allele origin: germline.

Blueprint Genetics
Classification: Uncertain significance. Last evaluated: 2023-10-04. Review status: criteria provided, single submitter. Criteria: ACMG Guidelines, 2015. Collection method: clinical testing. Allele origin: germline.

Labcorp Genetics (formerly Invitae), Labcorp
Classification: Uncertain significance. Last evaluated: 2022-03-27. Review status: criteria provided, single submitter. Criteria: Invitae Variant Classification Sherloc (09022015). Collection method: clinical testing. Allele origin: germline.
Comment: In summary, the available evidence is currently insufficient to determine the role of this variant in disease. Therefore, it has been classified as a Variant of Uncertain Significance. Algorithms developed to predict the effect of missense changes on protein structure and function are either unavailable or do not agree on the potential impact of this missense change (SIFT: "Deleterious"; PolyPhen-2: "Possibly Damaging"; Align-GVGD: "Class C0"). ClinVar contains an entry for this variant (Variation ID: 1019012). This variant has not been reported in the literature in individuals affected with RCBTB1-related conditions. This variant is present in population databases (rs746826785, gnomAD 0.01%). This sequence change replaces valine, which is neutral and non-polar, with methionine, which is neutral and non-polar, at codon 318 of the RCBTB1 protein (p.Val318Met).

NM_018191.4(RCBTB1):c.952G>A (p.Val318Met)

Gene: RCBTB1 (RCC1 and BTB domain containing protein 1; minus strand). Cytogenetic location: 13q14.2.
Variant type: single nucleotide variant.
Coding change: c.952G>A on transcript NM_018191.4 (MANE Select); coding-DNA position 952, G replaced by A.
Protein change: p.Val318Met; replaces valine 318 with methionine.
Molecular consequence: missense variant. On other transcripts: non-coding transcript variant (2).
Genome position (GRCh38, 1-based): chr13:49,549,551, C>T on the plus strand (G>A on the coding strand, the complement: RCBTB1 is on the minus strand). VCF-style: chr13-49549551-C-T. GRCh37 (hg19) VCF-style: chr13-50123687-C-T.
Other names: c.952G>A (NM_018191.3); c.952G>A, p.Val318Met (NM_001352500.2, NM_001352501.2, NM_001352502.2 and 3 more transcripts); c.373G>A, p.Val125Met (NM_001352506.2); short protein forms V125M, V318M.
Identifiers: ClinVar variation 1019012 (VCV001019012.8), dbSNP rs746826785, ClinGen allele CA6982728.